The following is an entry in ClinVar:

NM_006767.4(LZTR1):c.2220-16C>T

Gene: LZTR1 (leucine zipper like post translational regulator 1; plus strand). Cytogenetic location: 22q11.21.
Variant type: single nucleotide variant.
Coding change: c.2220-16C>T on transcript NM_006767.4 (MANE Select); 16 bases into the intron before coding-DNA position 2220, C replaced by T.
Molecular consequence: intron variant.
Genome position (GRCh38, 1-based): chr22:20,996,680, C>T. VCF-style: chr22-20996680-C-T. GRCh37 (hg19) VCF-style: chr22-21350969-C-T.
Identifiers: ClinVar variation 2143768 (VCV002143768.6), dbSNP rs1373241786, ClinGen allele CA751568760.
Genomic context (GRCh38, chr22:20,996,680, plus strand): 5'-GCGCCCTTCCCTGTCCTTCCCTGGGAGGGTGCGGGCGGACCAGCTTCCTTTAGTCAGCTC[C>T]TTAACCAGGCCCCAGCTACTTGTTTGCGGCCCCCTACTACTACGGCTTCTACAACAACCG-3'

ClinVar aggregate classification (germline): Uncertain significance. Review status: criteria provided, multiple submitters, no conflicts (2 of 4 stars). 3 submissions from 3 submitters: Uncertain significance (3). Last evaluated 2026-02-11.

Conditions:
LZTR1-related schwannomatosis. Also called: Schwannomatosis 2; Schwannomatosis-2, susceptibility to. Identifiers: Orphanet 93921, MedGen C3810283, MONDO:0014299, OMIM 615670.
Noonan syndrome 10 (NS10). Identifiers: Orphanet 648, MedGen C4225280, MONDO:0014693, OMIM 616564.
Noonan syndrome 2 (NS2). Identifiers: Orphanet 648, MedGen C1854469, MONDO:0011531, OMIM 605275.

Allele frequency attached by ClinVar (database versions not stated): gnomAD 0.00002; TOPMed 0.00002; gnomAD exomes 0.00001.

Submissions (3):

St. Jude Molecular Pathology, St. Jude Children's Research Hospital
Classification: Uncertain significance for Noonan syndrome 10. Last evaluated: 2026-02-11. Review status: criteria provided, single submitter. Criteria: St. Jude Assertion Criteria 2020. Collection method: clinical testing. Allele origin: germline.
Comment: The LZTR1 c.2220-16C>T intronic change results in a C to T substitution at the -16 position of intron 18 of the LZTR1 gene. Algorithms that predict the impact of sequence changes on splicing indicate that this change may impact splicing but to our knowledge these predictions have not been confirmed by RNA studies. To our knowledge, this variant has not been reported in individuals with Noonan syndrome or schwannomatosis. In summary, the evidence currently available is insufficient to determine the clinical significance of this variant. It has therefore been classified as of uncertain significance.

Labcorp Genetics (formerly Invitae), Labcorp
Classification: Uncertain significance. Last evaluated: 2025-12-19. Review status: criteria provided, single submitter. Criteria: Invitae Variant Classification Sherloc (09022015). Collection method: clinical testing. Allele origin: germline.
Comment: This sequence change falls in intron 18 of the LZTR1 gene. It does not directly change the encoded amino acid sequence of the LZTR1 protein. This variant is not present in population databases (gnomAD no frequency). This variant has not been reported in the literature in individuals affected with LZTR1-related conditions. ClinVar contains an entry for this variant (Variation ID: 2143768). Algorithms developed to predict the effect of sequence changes on RNA splicing suggest that this variant may disrupt the consensus splice site. In summary, the available evidence is currently insufficient to determine the role of this variant in disease. Therefore, it has been classified as a Variant of Uncertain Significance.

Fulgent Genetics
Classification: Uncertain significance for Noonan syndrome 2; LZTR1-related schwannomatosis; Noonan syndrome 10. Last evaluated: 2024-03-21. Review status: criteria provided, single submitter. Criteria: ACMG Guidelines, 2015. Collection method: clinical testing. Allele origin: germline.